The following is an entry in ClinVar:

ClinVar aggregate classification (germline): Uncertain significance. Review status: criteria provided, multiple submitters, no conflicts (2 of 4 stars). 2 submissions from 2 submitters: Uncertain significance (2). Last evaluated 2025-12-15.

Conditions:
Inborn genetic diseases. Identifiers: MedGen C0950123, MeSH D030342.

Allele frequency attached by ClinVar (database versions not stated): gnomAD exomes 0.00002; TOPMed 0.00002; ExAC 0.00003; gnomAD 0.00002.
gnomAD v4.1: 38 of 1,613,984 alleles (0.0024%); highest among the groups gnomAD compares: South Asian, 0.021%; no homozygotes.

Submissions (2):

Labcorp Genetics (formerly Invitae), Labcorp
Classification: Uncertain significance. Last evaluated: 2025-12-15. Review status: criteria provided, single submitter. Criteria: Invitae Variant Classification Sherloc (09022015). Collection method: clinical testing. Allele origin: germline.
Comment: This sequence change replaces lysine, which is basic and polar, with arginine, which is basic and polar, at codon 189 of the AP3D1 protein (p.Lys189Arg). This variant is present in population databases (rs762842700, gnomAD 0.03%). This variant has not been reported in the literature in individuals affected with AP3D1-related conditions. ClinVar contains an entry for this variant (Variation ID: 3020182). An algorithm developed to predict the effect of missense changes on protein structure and function (PolyPhen-2) suggests that this variant is likely to be disruptive. In summary, the available evidence is currently insufficient to determine the role of this variant in disease. Therefore, it has been classified as a Variant of Uncertain Significance.

Ambry Genetics
Classification: Uncertain significance for Inborn genetic diseases. Last evaluated: 2025-05-28. Review status: criteria provided, single submitter. Criteria: Ambry Variant Classification Scheme 2023. Collection method: clinical testing. Allele origin: germline.

NM_001261826.3(AP3D1):c.566A>G (p.Lys189Arg)

Gene: AP3D1 (adaptor related protein complex 3 subunit delta 1; minus strand). Cytogenetic location: 19p13.3.
Variant type: single nucleotide variant.
Coding change: c.566A>G on transcript NM_001261826.3 (MANE Select); coding-DNA position 566, A replaced by G.
Protein change: p.Lys189Arg; replaces lysine 189 with arginine.
Molecular consequence: missense variant.
Genome position (GRCh38, 1-based): chr19:2,130,434, T>C on the plus strand (A>G on the coding strand, the complement: AP3D1 is on the minus strand). VCF-style: chr19-2130434-T-C. GRCh37 (hg19) VCF-style: chr19-2130433-T-C.
Other names: c.566A>G, p.Lys189Arg (NM_001374799.1, NM_003938.8); c.566A>G (NM_003938.5); short protein forms K189R.
Identifiers: ClinVar variation 3020182 (VCV003020182.4), dbSNP rs762842700, ClinGen allele CA9059676.